The following is an entry in ClinVar:

NM_005343.4(HRAS):c.191dup (p.Tyr64Ter)

Genes: HRAS (HRas proto-oncogene, GTPase; minus strand), LRRC56 (leucine rich repeat containing 56; plus strand). Cytogenetic location: 11p15.5.
Variant type: Duplication.
Coding change: c.191dup on transcript NM_005343.4 (MANE Select); coding-DNA position 191, one base duplicated (A; older notation c.191dupA).
Protein change: p.Tyr64Ter; replaces tyrosine 64 with a stop codon.
Molecular consequence: nonsense. On other transcripts: 5 prime UTR variant (1).
Genome position (GRCh38, 1-based): chr11:533,865, T duplicated on the plus strand (A on the coding strand, the reverse complement: HRAS is on the minus strand). VCF-style (leftmost placement, unchanged base first): chr11-533864-G-GT. GRCh37 (hg19) VCF-style: chr11-533864-G-GT.
Other names: c.191dup, p.Tyr64Ter (NM_001130442.3, NM_176795.5); c.-129dup (NM_001318054.2); short protein forms Y64*.
Identifiers: ClinVar variation 2034877 (VCV002034877.4), dbSNP rs2539797854, ClinGen allele CA2580083841.

ClinVar aggregate classification (germline): Uncertain significance (1 of 4 stars; one submission).

Conditions:
Costello syndrome (CSTLO). Also called: HRAS-Related Costello Syndrome; FACIOCUTANEOSKELETAL SYNDROME; FCS SYNDROME. Identifiers: Orphanet 3071, MedGen C0587248, MONDO:0009026, OMIM 218040.

Submission:

Labcorp Genetics (formerly Invitae), Labcorp
Classification: Uncertain significance for Costello syndrome. Last evaluated: 2022-10-08. Review status: criteria provided, single submitter. Criteria: Invitae Variant Classification Sherloc (09022015). Collection method: clinical testing. Allele origin: germline.
Comment: In summary, the available evidence is currently insufficient to determine the role of this variant in disease. Therefore, it has been classified as a Variant of Uncertain Significance. This variant has not been reported in the literature in individuals affected with HRAS-related conditions. This variant is not present in population databases (gnomAD no frequency). This sequence change creates a premature translational stop signal (p.Tyr64*) in the HRAS gene. It is expected to result in an absent or disrupted protein product. However, the current clinical and genetic evidence is not sufficient to establish whether loss-of-function variants in HRAS cause disease.